The following is an entry in ClinVar:

NM_020812.4(DOCK6):c.5951C>T (p.Ala1984Val)

Gene: DOCK6 (dedicator of cytokinesis 6; minus strand). Cytogenetic location: 19p13.2.
Variant type: single nucleotide variant.
Coding change: c.5951C>T on transcript NM_020812.4 (MANE Select); coding-DNA position 5951, C replaced by T.
Protein change: p.Ala1984Val; replaces alanine 1984 with valine.
Molecular consequence: missense variant.
Genome position (GRCh38, 1-based): chr19:11,200,458, G>A on the plus strand (C>T on the coding strand, the complement: DOCK6 is on the minus strand). VCF-style: chr19-11200458-G-A. GRCh37 (hg19) VCF-style: chr19-11311134-G-A.
Other names: c.6056C>T, p.Ala2019Val (NM_001367830.1); short protein forms A1984V, A2019V.
Identifiers: ClinVar variation 2200632 (VCV002200632.1), dbSNP rs766432668, ClinGen allele CA9206269.

ClinVar aggregate classification (germline): Uncertain significance (1 of 4 stars; one submission).

Allele frequency attached by ClinVar (database versions not stated): ExAC 0.00002; gnomAD exomes 0.00002; gnomAD 0.00003; TOPMed 0.00003.

Submission:

Labcorp Genetics (formerly Invitae), Labcorp
Classification: Uncertain significance. Last evaluated: 2022-08-09. Review status: criteria provided, single submitter. Criteria: Invitae Variant Classification Sherloc (09022015). Collection method: clinical testing. Allele origin: germline.
Comment: This sequence change replaces alanine, which is neutral and non-polar, with valine, which is neutral and non-polar, at codon 1984 of the DOCK6 protein (p.Ala1984Val). The frequency data for this variant in the population databases is considered unreliable, as metrics indicate poor data quality at this position in the gnomAD database. This variant has not been reported in the literature in individuals affected with DOCK6-related conditions. Algorithms developed to predict the effect of missense changes on protein structure and function are either unavailable or do not agree on the potential impact of this missense change (SIFT: "Deleterious"; PolyPhen-2: "Probably Damaging"; Align-GVGD: "Class C0"). In summary, the available evidence is currently insufficient to determine the role of this variant in disease. Therefore, it has been classified as a Variant of Uncertain Significance.